The following is an entry in ClinVar:

ClinVar aggregate classification (germline): Likely benign. Review status: criteria provided, multiple submitters, no conflicts (2 of 4 stars). 3 submissions from 3 submitters: Likely benign (3). Last evaluated 2026-01-01.

Conditions:
Inborn genetic diseases. Identifiers: MedGen C0950123, MeSH D030342.

Allele frequency attached by ClinVar (database versions not stated): 1000 Genomes Project 0.00240; 1000 Genomes Project 30x 0.00312; TOPMed 0.00538; gnomAD 0.00560; gnomAD exomes 0.00779; ExAC 0.05844.

Submissions (3):

CeGaT Center for Human Genetics Tuebingen
Classification: Likely benign. Last evaluated: 2026-01-01. Review status: criteria provided, single submitter. Criteria: CeGaT Center For Human Genetics Tuebingen Variant Classification Criteria Version 2. Collection method: clinical testing. Allele origin: germline. Affected: yes. Observed: 3 variant alleles.
Comment: HCN2: PP3, BS2

Blueprint Genetics
Classification: Likely benign. Last evaluated: 2024-11-28. Review status: criteria provided, single submitter. Criteria: ACMG Guidelines, 2015. Collection method: clinical testing. Allele origin: germline.

Ambry Genetics
Classification: Likely benign for Inborn genetic diseases. Last evaluated: 2021-03-25. Review status: criteria provided, single submitter. Criteria: Ambry Variant Classification Scheme 2023. Collection method: clinical testing. Allele origin: germline.

NM_001194.4(HCN2):c.422C>T (p.Ala141Val)

Gene: HCN2 (hyperpolarization activated cyclic nucleotide gated potassium and sodium channel 2; plus strand). Cytogenetic location: 19p13.3.
Variant type: single nucleotide variant.
Coding change: c.422C>T on transcript NM_001194.4 (MANE Select); coding-DNA position 422, C replaced by T.
Protein change: p.Ala141Val; replaces alanine 141 with valine.
Molecular consequence: missense variant.
Genome position (GRCh38, 1-based): chr19:590,367, C>T. VCF-style: chr19-590367-C-T. GRCh37 (hg19) VCF-style: chr19-590367-C-T.
Other names: short protein forms A141V.
Identifiers: ClinVar variation 2263178 (VCV002263178.9), dbSNP rs200057212, ClinGen allele CA9018150.